The following is an entry in ClinVar:

NM_015978.3(TNNI3K):c.1773-2del

Genes: FPGT-TNNI3K (FPGT-TNNI3K readthrough; plus strand), TNNI3K (TNNI3 interacting kinase; plus strand). Cytogenetic location: 1p31.1.
Variant type: Deletion.
Coding change: c.1773-2del on transcript NM_015978.3 (MANE Select); the canonical splice acceptor site of the intron before coding-DNA position 1773, one base deleted (A; older notation c.1773-2delA).
Molecular consequence: splice acceptor variant.
Genome position (GRCh38, 1-based): chr1:74,436,078, A deleted. VCF-style (leftmost placement, unchanged base first): chr1-74436077-CA-C. GRCh37 (hg19) VCF-style: chr1-74901761-CA-C.
Other names: c.2076-2del (NM_001112808.3, NM_001199327.2).
Identifiers: ClinVar variation 4717633 (VCV004717633.1).
Genomic context (GRCh38, chr1:74,436,077, plus strand): 5'-AATTAGATTAGGACATAGCAAAGCTTACTCAATGTCTACTTTTTTTTTTTTTTTTTTTTA[CA>C]GTCACAATATTCTTCTCTATGAGGATGGGCATGCTGTGGTGGCAGATTTTGGAGGTGAGA-3'

ClinVar aggregate classification (germline): Uncertain significance (1 of 4 stars; one submission).

Submission:

Labcorp Genetics (formerly Invitae), Labcorp
Classification: Uncertain significance. Last evaluated: 2025-05-01. Review status: criteria provided, single submitter. Criteria: Invitae Variant Classification Sherloc (09022015). Collection method: clinical testing. Allele origin: germline.
Comment: This sequence change affects a splice site in intron 17 of the TNNI3K gene. It is expected to disrupt RNA splicing. Variants that disrupt the donor or acceptor splice site typically lead to a loss of protein function (PMID: 16199547), however the current clinical and genetic evidence is not sufficient to establish whether loss-of-function variants in TNNI3K cause disease. This variant is not present in population databases (gnomAD no frequency). This variant has not been reported in the literature in individuals affected with TNNI3K-related conditions. Algorithms developed to predict the effect of sequence changes on RNA splicing suggest that this variant may disrupt the consensus splice site. In summary, the available evidence is currently insufficient to determine the role of this variant in disease. Therefore, it has been classified as a Variant of Uncertain Significance.

Literature cited by the submitters: PubMed 16199547.